The following is an entry in ClinVar:

NM_003482.4(KMT2D):c.2267C>T (p.Pro756Leu)

Gene: KMT2D (lysine methyltransferase 2D; minus strand). Cytogenetic location: 12q13.12.
Variant type: single nucleotide variant.
Coding change: c.2267C>T on transcript NM_003482.4 (MANE Select); coding-DNA position 2267, C replaced by T.
Protein change: p.Pro756Leu; replaces proline 756 with leucine.
Molecular consequence: missense variant.
Genome position (GRCh38, 1-based): chr12:49,051,416, G>A on the plus strand (C>T on the coding strand, the complement: KMT2D is on the minus strand). VCF-style: chr12-49051416-G-A. GRCh37 (hg19) VCF-style: chr12-49445199-G-A.
Other names: short protein forms P756L.
Identifiers: ClinVar variation 3574850 (VCV003574850.2).

ClinVar aggregate classification (germline): Uncertain significance. Review status: criteria provided, multiple submitters, no conflicts (2 of 4 stars). 2 submissions from 2 submitters: Uncertain significance (2). Last evaluated 2025-11-24.

Conditions:
Kabuki syndrome 1 (KABUK1). Also called: KMT2D-Related Kabuki Syndrome. Identifiers: Orphanet 2322, MedGen CN030661, MONDO:0007843, OMIM 147920.
Choanal atresia-athelia-hypothyroidism-delayed puberty-short stature syndrome (BCAHH). Also called: BRANCHIAL ARCH ABNORMALITIES, CHOANAL ATRESIA, ATHELIA, HEARING LOSS, AND HYPOTHYROIDISM SYNDROME. Identifiers: Orphanet 589856, MedGen C5680310, MONDO:0035651, OMIM 620186.
KMT2D-related disorder. Also called: KMT2D-Related Disorders.

gnomAD v4.1: 2 of 1,608,720 alleles (0.00012%); highest among the groups gnomAD compares: African/African-American, 0.0014%; no homozygotes.

Submissions (2):

PreventionGenetics, part of Exact Sciences
Classification: Uncertain significance for KMT2D-related condition. Last evaluated: 2025-11-24. Review status: criteria provided, single submitter. Criteria: ACMG Guidelines, 2015. Collection method: clinical testing. Allele origin: germline.
Comment: The KMT2D c.2267C>T variant is predicted to result in the amino acid substitution p.Pro756Leu. To our knowledge, this variant has not been reported in the literature or in a large population database (gnomAD), indicating this variant is rare. At this time, the clinical significance of this variant is uncertain due to the absence of conclusive functional and genetic evidence.

Fulgent Genetics
Classification: Uncertain significance for Kabuki syndrome 1; Choanal atresia-athelia-hypothyroidism-delayed puberty-short stature syndrome. Last evaluated: 2024-01-01. Review status: criteria provided, single submitter. Criteria: ACMG Guidelines, 2015. Collection method: clinical testing. Allele origin: germline.